The following is an entry in ClinVar:

ClinVar aggregate classification (germline): Uncertain significance (1 of 4 stars; one submission).

Conditions:
DNA ligase IV deficiency. Identifiers: Orphanet 99812, MedGen C1847827, MONDO:0011686, OMIM 606593.

Submission:

Labcorp Genetics (formerly Invitae), Labcorp
Classification: Uncertain significance for DNA ligase IV deficiency. Last evaluated: 2020-10-05. Review status: criteria provided, single submitter. Criteria: Invitae Variant Classification Sherloc (09022015). Collection method: clinical testing. Allele origin: germline.
Comment: This sequence change replaces phenylalanine with leucine at codon 742 of the LIG4 protein (p.Phe742Leu). The phenylalanine residue is weakly conserved and there is a small physicochemical difference between phenylalanine and leucine. This variant is not present in population databases (ExAC no frequency). This variant has not been reported in the literature in individuals with LIG4-related conditions. Algorithms developed to predict the effect of missense changes on protein structure and function (SIFT, PolyPhen-2, Align-GVGD) all suggest that this variant is likely to be tolerated, but these predictions have not been confirmed by published functional studies and their clinical significance is uncertain. In summary, the available evidence is currently insufficient to determine the role of this variant in disease. Therefore, it has been classified as a Variant of Uncertain Significance.

NM_206937.2(LIG4):c.2224T>C (p.Phe742Leu)

Gene: LIG4 (DNA ligase 4; minus strand). Cytogenetic location: 13q33.3.
Variant type: single nucleotide variant.
Coding change: c.2224T>C on transcript NM_206937.2 (MANE Select); coding-DNA position 2224, T replaced by C.
Protein change: p.Phe742Leu; replaces phenylalanine 742 with leucine.
Molecular consequence: missense variant.
Genome position (GRCh38, 1-based): chr13:108,209,045, A>G on the plus strand (T>C on the coding strand, the complement: LIG4 is on the minus strand). VCF-style: chr13-108209045-A-G. GRCh37 (hg19) VCF-style: chr13-108861393-A-G.
Other names: c.2224T>C, p.Phe742Leu (NM_001098268.2, NM_001352598.2, NM_001352599.2 and 6 more transcripts); c.2023T>C, p.Phe675Leu (NM_001330595.2); c.2260T>C, p.Phe754Leu (NM_001352604.2); short protein forms F742L, F675L, F754L.
Identifiers: ClinVar variation 1041714 (VCV001041714.8), dbSNP rs1878264184, ClinGen allele CA388613748.